The following is an entry in ClinVar:

ClinVar aggregate classification (germline): Uncertain significance. Review status: criteria provided, multiple submitters, no conflicts (2 of 4 stars). 4 submissions from 4 submitters: Uncertain significance (4). Last evaluated 2024-10-14.

Conditions:
Cardiovascular phenotype. Identifiers: MedGen CN230736.
Cardiomyopathy (CMYO). Also called: Cardiomyopathies. Identifiers: Orphanet 167848, MedGen C0878544, MONDO:0004994, HP:0001638. Inheritance: Various modes of inheritance.
Arrhythmogenic right ventricular cardiomyopathy (ARVD). Also called: Arrhythmogenic cardiomyopathy; Cardiomyopathy, ARVC; Arrhythmogenic right ventricular dysplasia; Arrhythmogenic Right Ventricular Cardiomyopathy (ARVC). Identifiers: Orphanet 247, MedGen C0349788, MeSH D019571, MONDO:0016587. Disease mechanism: loss of function. Inheritance: Various modes of inheritance.
Arrhythmogenic right ventricular dysplasia 10. Also called: Arrhythmogenic Right Ventricular Dysplasia/Cardiomyopathy10; ARRHYTHMOGENIC RIGHT VENTRICULAR DYSPLASIA, FAMILIAL, 10; Arrhythmogenic right ventricular dysplasia/cardiomyopathy, type 10. Identifiers: MedGen C1857777, MONDO:0012434, OMIM 610193.

Allele frequency attached by ClinVar (database versions not stated): gnomAD 0.00001; gnomAD exomes 0.00001; TOPMed 0.00001.

Submissions (4):

Labcorp Genetics (formerly Invitae), Labcorp
Classification: Uncertain significance for Arrhythmogenic right ventricular dysplasia 10. Last evaluated: 2024-10-14. Review status: criteria provided, single submitter. Criteria: Invitae Variant Classification Sherloc (09022015). Collection method: clinical testing. Allele origin: germline.
Comment: This sequence change replaces threonine, which is neutral and polar, with isoleucine, which is neutral and non-polar, at codon 484 of the DSG2 protein (p.Thr484Ile). This variant is not present in population databases (gnomAD no frequency). This variant has not been reported in the literature in individuals affected with DSG2-related conditions. ClinVar contains an entry for this variant (Variation ID: 921898). Invitae Evidence Modeling of protein sequence and biophysical properties (such as structural, functional, and spatial information, amino acid conservation, physicochemical variation, residue mobility, and thermodynamic stability) has been performed for this missense variant. However, the output from this modeling did not meet the statistical confidence thresholds required to predict the impact of this variant on DSG2 protein function. In summary, the available evidence is currently insufficient to determine the role of this variant in disease. Therefore, it has been classified as a Variant of Uncertain Significance.

Color Diagnostics, LLC DBA Color Health
Classification: Uncertain significance for Cardiomyopathy. Last evaluated: 2024-03-07. Review status: criteria provided, single submitter. Criteria: ACMG Guidelines, 2015. Collection method: clinical testing. Allele origin: germline.
Comment: This missense variant replaces threonine with isoleucine at codon 484 of the DSG2 protein. Computational prediction suggests that this variant may not impact protein structure and function (internally defined REVEL score threshold <= 0.5, PMID: 27666373). To our knowledge, functional studies have not been reported for this variant. This variant has not been reported in individuals affected with cardiovascular disorders in the literature. This variant has not been identified in the general population by the Genome Aggregation Database (gnomAD). The available evidence is insufficient to determine the role of this variant in disease conclusively. Therefore, this variant is classified as a Variant of Uncertain Significance.

All of Us Research Program, National Institutes of Health
Classification: Uncertain significance for Arrhythmogenic right ventricular cardiomyopathy. Last evaluated: 2023-04-03. Review status: criteria provided, single submitter. Criteria: ACMG Guidelines, 2015. Collection method: clinical testing. Allele origin: germline. Inheritance: Autosomal dominant inheritance. Observed: 1 variant allele, 1 heterozygote.
Comment: This missense variant replaces threonine with isoleucine at codon 484 of the DSG2 protein. Computational prediction suggests that this variant may not impact protein structure and function (internally defined REVEL score threshold <= 0.5, PMID: 27666373). To our knowledge, functional studies have not been reported for this variant. This variant has not been reported in individuals affected with cardiovascular disorders in the literature. This variant has not been identified in the general population by the Genome Aggregation Database (gnomAD). The available evidence is insufficient to determine the role of this variant in disease conclusively. Therefore, this variant is classified as a Variant of Uncertain Significance.

This study involves interpretation of variants in research participants for the purpose of population health screening. Participant phenotype was not available at the time of variant classification. Additional details can be found in publication PMID: 35346344, PMCID: PMC8962531

Ambry Genetics
Classification: Uncertain significance for Cardiovascular phenotype. Last evaluated: 2019-10-21. Review status: criteria provided, single submitter. Criteria: Ambry Variant Classification Scheme 2023. Collection method: clinical testing. Allele origin: germline.
Comment: The p.T484I variant (also known as c.1451C>T), located in coding exon 11 of the DSG2 gene, results from a C to T substitution at nucleotide position 1451. The threonine at codon 484 is replaced by isoleucine, an amino acid with similar properties. This amino acid position is highly conserved in available vertebrate species. In addition, this alteration is predicted to be deleterious by in silico analysis. Since supporting evidence is limited at this time, the clinical significance of this alteration remains unclear.

NM_001943.5(DSG2):c.1451C>T (p.Thr484Ile)

Gene: DSG2 (desmoglein 2; plus strand). Cytogenetic location: 18q12.1.
Variant type: single nucleotide variant.
Coding change: c.1451C>T on transcript NM_001943.5 (MANE Select); coding-DNA position 1451, C replaced by T.
Protein change: p.Thr484Ile; replaces threonine 484 with isoleucine.
Molecular consequence: missense variant.
Genome position (GRCh38, 1-based): chr18:31,536,229, C>T. VCF-style: chr18-31536229-C-T. GRCh37 (hg19) VCF-style: chr18-29116192-C-T.
Other names: short protein forms T484I.
Identifiers: ClinVar variation 921898 (VCV000921898.10), dbSNP rs1003784921, ClinGen allele CA297741280.